The following is an entry in ClinVar:

NM_005141.5(FGB):c.797A>G (p.Tyr266Cys)

Gene: FGB (fibrinogen beta chain; plus strand). Cytogenetic location: 4q31.3.
Variant type: single nucleotide variant.
Coding change: c.797A>G on transcript NM_005141.5 (MANE Select); coding-DNA position 797, A replaced by G.
Protein change: p.Tyr266Cys; replaces tyrosine 266 with cysteine.
Molecular consequence: missense variant. On other transcripts: intron variant (1).
Genome position (GRCh38, 1-based): chr4:154,568,459, A>G. VCF-style: chr4-154568459-A-G. GRCh37 (hg19) VCF-style: chr4-155489611-A-G.
Other names: c.620A>G, p.Tyr207Cys (NM_001184741.1); c.665A>G, p.Tyr222Cys (NM_001382759.1); c.797A>G, p.Tyr266Cys (NM_001382760.1, NM_001382761.1, NM_001382763.1 and 2 more transcripts); c.745+52A>G (NM_001382762.1); short protein forms Y207C, Y222C, Y266C.
Identifiers: ClinVar variation 3636260 (VCV003636260.3).

ClinVar aggregate classification (germline): Uncertain significance. Review status: criteria provided, multiple submitters, no conflicts (2 of 4 stars). 2 submissions from 2 submitters: Uncertain significance (2). Last evaluated 2026-06-18.

gnomAD v4.1: 418 of 1,599,524 alleles (0.026%); highest among the groups gnomAD compares: Non-Finnish European, 0.034%; no homozygotes.

Submissions (2):

Women's Health and Genetics/Laboratory Corporation of America, LabCorp
Classification: Uncertain significance. Last evaluated: 2026-06-18. Review status: criteria provided, single submitter. Criteria: LabCorp Variant Classification Summary - May 2015. Collection method: clinical testing. Allele origin: germline.
Comment: Variant summary: FGB c.797A>G (p.Tyr266Cys) results in a non-conservative amino acid change in the encoded protein sequence. Algorithms developed to predict the effect of missense changes on protein structure and function all suggest that this variant is likely to be disruptive. The variant allele was found at a frequency of 0.00026 in 251280 control chromosomes. This frequency is not significantly higher than estimated for disease-causing variants in FGB, allowing no conclusion about variant significance. c.797A>G has been observed in individual(s) affected with FGB-related conditions (Horellou_2006). These report(s) do not provide unequivocal conclusions about association of the variant with disease. To our knowledge, no experimental evidence demonstrating an impact on protein function has been reported. The following publication have been ascertained in the context of this evaluation (PMID: 16689768). ClinVar contains an entry for this variant (Variation ID: 3636260). Based on the evidence outlined above, the variant was classified as uncertain significance.

Labcorp Genetics (formerly Invitae), Labcorp
Classification: Uncertain significance. Last evaluated: 2025-12-26. Review status: criteria provided, single submitter. Criteria: Invitae Variant Classification Sherloc (09022015). Collection method: clinical testing. Allele origin: germline.
Comment: This sequence change replaces tyrosine, which is neutral and polar, with cysteine, which is neutral and slightly polar, at codon 266 of the FGB protein (p.Tyr266Cys). This variant is present in population databases (rs370703973, gnomAD 0.06%). This missense change has been observed in individual(s) with autosomal recessive hypofibrinogenemia (PMID: 16689768). This variant is also known as Y236C. ClinVar contains an entry for this variant (Variation ID: 3636260). Invitae Evidence Modeling of protein sequence and biophysical properties (such as structural, functional, and spatial information, amino acid conservation, physicochemical variation, residue mobility, and thermodynamic stability) indicates that this missense variant is not expected to disrupt FGB protein function with a negative predictive value of 80%. In summary, the available evidence is currently insufficient to determine the role of this variant in disease. Therefore, it has been classified as a Variant of Uncertain Significance.

Literature cited by the submitters: PubMed 16689768 (cited by Women's Health and Genetics/Laboratory Corporation of America, LabCorp and Labcorp Genetics (formerly Invitae), Labcorp).